The following is an entry in ClinVar:

NM_001317778.2(SFTPC):c.115G>C (p.Val39Leu)

Gene: SFTPC (surfactant protein C; plus strand). Cytogenetic location: 8p21.3.
Variant type: single nucleotide variant.
Coding change: c.115G>C on transcript NM_001317778.2 (MANE Select); coding-DNA position 115, G replaced by C.
Protein change: p.Val39Leu; replaces valine 39 with leucine.
Molecular consequence: missense variant. On other transcripts: intron variant (2).
Genome position (GRCh38, 1-based): chr8:22,162,646, G>C. VCF-style: chr8-22162646-G-C. GRCh37 (hg19) VCF-style: chr8-22020159-G-C.
Other names: c.115G>C, p.Val39Leu (NM_001172357.2, NM_001172410.2, NM_001317780.2 and 8 more transcripts); c.43-434G>C (NM_001385660.1, NM_001317779.2); short protein forms V39L.
Identifiers: ClinVar variation 4072795 (VCV004072795.1).

ClinVar aggregate classification (germline): Uncertain significance (1 of 4 stars; one submission).

Submission:

GeneDx
Classification: Uncertain significance. Last evaluated: 2025-02-04. Review status: criteria provided, single submitter. Criteria: GeneDx Variant Classification Process June 2021. Collection method: clinical testing. Allele origin: germline. Affected: yes.
Comment: Not observed at significant frequency in large population cohorts (gnomAD); In silico analysis indicates that this missense variant does not alter protein structure/function; Has not been previously published as pathogenic or benign to our knowledge